The following is an entry in ClinVar:

ClinVar aggregate classification (germline): Likely pathogenic (1 of 4 stars; one submission).

Conditions:
X-linked agammaglobulinemia with growth hormone deficiency (IGHD3). Also called: FLEISHER SYNDROME; HYPOGAMMAGLOBULINEMIA AND ISOLATED GROWTH HORMONE DEFICIENCY, X-LINKED; IGHD III; AGAMMAGLOBULINEMIA AND ISOLATED GROWTH HORMONE DEFICIENCY, X-LINKED; Isolated growth hormone deficiency type 3; Growth hormone deficiency with hypogammaglobulinemia. Identifiers: Orphanet 231692, Orphanet 631, MedGen C0472813, MONDO:0010615, OMIM 307200.

Submission:

Labcorp Genetics (formerly Invitae), Labcorp
Classification: Likely pathogenic for X-linked agammaglobulinemia with growth hormone deficiency. Last evaluated: 2022-05-25. Review status: criteria provided, single submitter. Criteria: Invitae Variant Classification Sherloc (09022015). Collection method: clinical testing. Allele origin: germline.
Comment: This sequence change affects a donor splice site in intron 2 of the BTK gene. It is expected to disrupt RNA splicing. Variants that disrupt the donor or acceptor splice site typically lead to a loss of protein function (PMID: 16199547), and loss-of-function variants in BTK are known to be pathogenic (PMID: 15661032, 16862044, 19419768). This variant is not present in population databases (gnomAD no frequency). In summary, the currently available evidence indicates that the variant is pathogenic, but additional data are needed to prove that conclusively. Therefore, this variant has been classified as Likely Pathogenic. Algorithms developed to predict the effect of sequence changes on RNA splicing suggest that this variant may disrupt the consensus splice site. Disruption of this splice site has been observed in individual(s) with agammaglobulinemia (PMID: 15661032, 26960951).

Literature cited by the submitters: PubMed 16199547; PubMed 15661032; PubMed 16862044; PubMed 19419768; PubMed 26960951.

NM_000061.3(BTK):c.141+1G>C

Gene: BTK (Bruton tyrosine kinase; minus strand). Cytogenetic location: Xq22.1.
Variant type: single nucleotide variant.
Coding change: c.141+1G>C on transcript NM_000061.3 (MANE Select); the canonical splice donor site of the intron after coding-DNA position 141, G replaced by C.
Molecular consequence: splice donor variant.
Genome position (GRCh38, 1-based): chrX:101,375,143, C>G on the plus strand (G>C on the coding strand, the complement: BTK is on the minus strand). VCF-style: chrX-101375143-C-G. GRCh37 (hg19) VCF-style: chrX-100630131-C-G.
Other names: c.243+1G>C (NM_001287344.2); c.141+1G>C (NM_001287345.2).
Identifiers: ClinVar variation 2138658 (VCV002138658.4), dbSNP rs2520693959, ClinGen allele CA413939212.